The following is an entry in ClinVar:

NM_002860.4(ALDH18A1):c.1958A>C (p.Tyr653Ser)

Gene: ALDH18A1 (aldehyde dehydrogenase 18 family member A1; minus strand). Cytogenetic location: 10q24.1.
Variant type: single nucleotide variant.
Coding change: c.1958A>C on transcript NM_002860.4 (MANE Select); coding-DNA position 1958, A replaced by C.
Protein change: p.Tyr653Ser; replaces tyrosine 653 with serine.
Molecular consequence: missense variant.
Genome position (GRCh38, 1-based): chr10:95,611,408, T>G on the plus strand (A>C on the coding strand, the complement: ALDH18A1 is on the minus strand). VCF-style: chr10-95611408-T-G. GRCh37 (hg19) VCF-style: chr10-97371165-T-G.
Other names: c.1952A>C, p.Tyr651Ser (NM_001017423.2, NM_001323415.2); c.1625A>C, p.Tyr542Ser (NM_001323412.2, NM_001323416.2); c.1958A>C, p.Tyr653Ser (NM_001323413.2, NM_001323414.2); c.1853A>C, p.Tyr618Ser (NM_001323417.2); c.1619A>C, p.Tyr540Ser (NM_001323418.2); c.1322A>C, p.Tyr441Ser (NM_001323419.2); short protein forms Y441S, Y618S, Y651S, Y653S, Y542S, Y540S.
Identifiers: ClinVar variation 2929867 (VCV002929867.3), dbSNP rs2526706614, ClinGen allele CA377700114.

ClinVar aggregate classification (germline): Uncertain significance (1 of 4 stars; one submission).

Conditions:
de Barsy syndrome. Also called: Cutis laxa-corneal clouding-oligophrenia syndrome. Identifiers: Orphanet 2962, MedGen C0268354, MONDO:0017569.
Autosomal dominant spastic paraplegia type 9. Identifiers: MedGen C1832669, MONDO:0015091.
Cutis laxa, autosomal dominant 3 (ADCL3). Identifiers: Orphanet 90348, MedGen C4225268, MONDO:0014706, OMIM 616603.

Allele frequency attached by ClinVar (database versions not stated): gnomAD exomes below 0.00001.
gnomAD v4.1: 4 of 1,614,192 alleles (0.00025%); highest among the groups gnomAD compares: Non-Finnish European, 0.00034%; no homozygotes.

Submission:

Labcorp Genetics (formerly Invitae), Labcorp
Classification: Uncertain significance for Autosomal dominant spastic paraplegia type 9; de Barsy syndrome; Cutis laxa, autosomal dominant 3. Last evaluated: 2024-07-31. Review status: criteria provided, single submitter. Criteria: Invitae Variant Classification Sherloc (09022015). Collection method: clinical testing. Allele origin: germline.
Comment: This sequence change replaces tyrosine, which is neutral and polar, with serine, which is neutral and polar, at codon 653 of the ALDH18A1 protein (p.Tyr653Ser). This variant is not present in population databases (gnomAD no frequency). This variant has not been reported in the literature in individuals affected with ALDH18A1-related conditions. Advanced modeling of protein sequence and biophysical properties (such as structural, functional, and spatial information, amino acid conservation, physicochemical variation, residue mobility, and thermodynamic stability) performed at Invitae indicates that this missense variant is not expected to disrupt ALDH18A1 protein function with a negative predictive value of 95%. Algorithms developed to predict the effect of sequence changes on RNA splicing suggest that this variant may create or strengthen a splice site. In summary, the available evidence is currently insufficient to determine the role of this variant in disease. Therefore, it has been classified as a Variant of Uncertain Significance.